The following is an entry in ClinVar:

NM_001142800.2(EYS):c.5254dup (p.Ile1752fs)

Gene: EYS (EGF-like photoreceptor maintenance factor; minus strand). Cytogenetic location: 6q12.
Variant type: Duplication.
Coding change: c.5254dup on transcript NM_001142800.2 (MANE Select); coding-DNA position 5254, one base duplicated (A; older notation c.5254dupA).
Protein change: p.Ile1752fs; shifts the reading frame from isoleucine 1752.
Molecular consequence: frameshift variant.
Genome position (GRCh38, 1-based): chr6:64,590,613, T duplicated on the plus strand (A on the coding strand, the reverse complement: EYS is on the minus strand); the first of 3 consecutive T bases (chr6:64,590,613-64,590,615); duplicating any one gives the same sequence. VCF-style (leftmost placement, unchanged base first): chr6-64590612-A-AT. GRCh37 (hg19) VCF-style: chr6-65300505-A-AT.
Other names: c.5254dup, p.Ile1752fs (NM_001292009.2); short protein forms I1752fs.
Identifiers: ClinVar variation 5003604 (VCV005003604.1).
Genomic context (GRCh38, chr6:64,590,612, plus strand): 5'-TTTTTGAAGTCATTTGCATGTGTAATTTCTGAATATGTCTTTAAAGTAACATCCGGATAA[A>AT]TTTGTAAGTTTAACTCAAAATCCAGAGAACTATCACTTGGGTGAAGTTTGAACAGTGTAT-3'

ClinVar aggregate classification (germline): Pathogenic (1 of 4 stars; one submission).

Conditions:
Retinitis pigmentosa 25 (RP25). Identifiers: Orphanet 791, MedGen C1864446, MONDO:0011272, OMIM 602772.

Submission:

Myriad Genetics, Inc.
Classification: Pathogenic for Retinitis pigmentosa 25. Last evaluated: 2026-03-05. Review status: criteria provided, single submitter. Criteria: Myriad Autosomal Dominant, Autosomal Recessive and X-Linked Classification Criteria (2023). Collection method: clinical testing. Allele origin: unknown.
Comment: NM_001142800.1(EYS):c.5254dupA(I1752Nfs*18) is a frameshift variant classified as pathogenic in the context of retinitis pigmentosa, EYS-related. I1752Nfs*18 has been observed in a case with relevant disease (PMID: 30029497). Relevant functional assessments of this variant are not available in the literature. I1752Nfs*18 has not been observed in referenced population frequency databases. In summary, NM_001142800.1(EYS):c.5254dupA(I1752Nfs*18) is a frameshift variant in a gene where loss of function is a known mechanism of disease, is predicted to disrupt protein function, and has been observed more frequently in cases with the relevant disease than in healthy populations. Please note: this variant was assessed in the context of healthy population screening.

Literature cited by the submitters: PubMed 30029497.